The following is an entry in ClinVar:

NM_001308093.3(GATA4):c.1241C>T (p.Pro414Leu)

Gene: GATA4 (GATA binding protein 4). Cytogenetic location: 8p23.1.
Variant type: single nucleotide variant.
Coding change: c.1241C>T on transcript NM_001308093.3 (MANE Select); coding-DNA position 1241, C replaced by T.
Protein change: p.Pro414Leu; replaces proline 414 with leucine.
Molecular consequence: missense variant.
Genome position (GRCh38, 1-based): chr8:11,758,384, C>T. VCF-style: chr8-11758384-C-T. GRCh37 (hg19) VCF-style: chr8-11615893-C-T.
Other names: NM_002052.5:c.1241C>T; p.(Pro414Leu); c.620C>T, p.Pro207Leu (NM_001308094.2, NM_001374273.1); c.494C>T, p.Pro165Leu (NM_001374274.1); c.1238C>T, p.Pro413Leu (NM_002052.5); short protein forms P165L, P413L, P207L, P414L.
Identifiers: ClinVar variation 1483194 (VCV001483194.7), dbSNP rs773626580, ClinGen allele CA4630897.

ClinVar aggregate classification (germline): Conflicting classifications of pathogenicity. Review status: criteria provided, conflicting classifications (1 of 4 stars). 2 submissions from 2 submitters: Likely pathogenic (1); Uncertain significance (1). Last evaluated 2025-05-24.

Conditions:
Atrioventricular septal defect 4 (AVSD4). Identifiers: MedGen C3280781, MONDO:0013747, OMIM 614430.
Brugada syndrome. Also called: Sudden Unexplained Death Syndrome; Sudden Unexplained Nocturnal Death Syndrome (SUNDS); Sudden unexplained nocturnal death syndrome; Sudden unexpected nocturnal death syndrome. Identifiers: Orphanet 130, MedGen C1142166, MONDO:0015263.

Allele frequency attached by ClinVar (database versions not stated): gnomAD exomes below 0.00001 and 0.00001; TOPMed below 0.00001; gnomAD 0.00001; ExAC 0.00002.
gnomAD v4.1: 8 of 1,614,110 alleles (0.0005%); highest among the groups gnomAD compares: Middle Eastern, 0.12%; no homozygotes.

Submissions (2):

Department of Genetics and Molecular Biology, Isfahan University of Medical Sciences
Classification: Likely pathogenic for Brugada syndrome. Last evaluated: 2025-05-24. Review status: criteria provided, single submitter. Criteria: ACMG Guidelines, 2015. Collection method: clinical testing. Allele origin: germline. Affected: yes.
Comment: The variant c.1241C>T (p.Pro414Leu) in GATA4 is classified as likely pathogenic based on ACMG criteria: PM1 (located in a critical functional domain of GATA4 relevant to cardiac development), PM2 (absent or extremely rare in population databases), PP2 (missense variant in a gene with low benign missense variation rate), and PP3 (multiple computational tools predict deleterious effect). This variant has been reported in association with cardiac phenotypes including Brugada syndrome, supporting its pathogenic role in this arrhythmogenic disorder.

GATA4 is a dosage-sensitive transcription factor critical for heart development. The variant affects a conserved residue in a functional domain. Computational and population data support pathogenicity. Literature supports GATA4 variants in congenital heart disease and arrhythmia syndromes. The classification follows ACMG guidelines and current evidence.

Labcorp Genetics (formerly Invitae), Labcorp
Classification: Uncertain significance for Atrioventricular septal defect 4. Last evaluated: 2024-04-17. Review status: criteria provided, single submitter. Criteria: Invitae Variant Classification Sherloc (09022015). Collection method: clinical testing. Allele origin: germline.
Comment: This sequence change replaces proline, which is neutral and non-polar, with leucine, which is neutral and non-polar, at codon 413 of the GATA4 protein (p.Pro413Leu). This variant is present in population databases (rs773626580, gnomAD 0.004%). This variant has not been reported in the literature in individuals affected with GATA4-related conditions. ClinVar contains an entry for this variant (Variation ID: 1483194). An algorithm developed to predict the effect of missense changes on protein structure and function (PolyPhen-2) suggests that this variant is likely to be tolerated. In summary, the available evidence is currently insufficient to determine the role of this variant in disease. Therefore, it has been classified as a Variant of Uncertain Significance.

Literature cited by the submitters: PubMed 25928801 (cited by Department of Genetics and Molecular Biology, Isfahan University of Medical Sciences).